The following is an entry in ClinVar:

NM_001098671.2(RASGRP2):c.511T>C (p.Cys171Arg)

Gene: RASGRP2 (RAS guanyl releasing protein 2; minus strand). Cytogenetic location: 11q13.1.
Variant type: single nucleotide variant.
Coding change: c.511T>C on transcript NM_001098671.2 (MANE Select); coding-DNA position 511, T replaced by C.
Protein change: p.Cys171Arg; replaces cysteine 171 with arginine.
Molecular consequence: missense variant.
Genome position (GRCh38, 1-based): chr11:64,740,024, A>G on the plus strand (T>C on the coding strand, the complement: RASGRP2 is on the minus strand). VCF-style: chr11-64740024-A-G. GRCh37 (hg19) VCF-style: chr11-64507496-A-G.
Other names: c.511T>C, p.Cys171Arg (NM_001098670.2, NM_153819.2); c.76T>C, p.Cys26Arg (NM_001318398.2); short protein forms C171R, C26R.
Identifiers: ClinVar variation 3630037 (VCV003630037.1).
Genomic context (GRCh38, chr11:64,740,024, plus strand): 5'-CTCTTCCAGCCCACATTGGACCCCTGACCCCCCAGCCCTCGGGCCGCACCAGGATCTTGC[A>G]GAAGGAGCGATACTCCAAGTAGGTGAGATGCTCCGCCAGCTCCATGGGCTCCAGGTGGTC-3'
Protein context (NP_001092141.1, residues 161-181): HLTYLEYRSF[Cys171Arg]KILFQDYHSF

ClinVar aggregate classification (germline): Uncertain significance (1 of 4 stars; one submission).

gnomAD v4.1: 13 of 1,614,002 alleles (0.00081%); highest among the groups gnomAD compares: African/African-American, 0.0053%; no homozygotes.

Submission:

Women's Health and Genetics/Laboratory Corporation of America, LabCorp
Classification: Uncertain significance. Last evaluated: 2024-11-18. Review status: criteria provided, single submitter. Criteria: LabCorp Variant Classification Summary - May 2015. Collection method: clinical testing. Allele origin: germline.
Comment: Variant summary: RASGRP2 c.511T>C (p.Cys171Arg) results in a non-conservative amino acid change located in the Ras guanine-nucleotide exchange factors catalytic domain (IPR001895) of the encoded protein sequence. Three of five in-silico tools predict a benign effect of the variant on protein function. The variant allele was found at a frequency of 8.1e-06 in 1607006 control chromosomes in the gnomAD database (v4.1 dataset). This frequency is not significantly higher than estimated for a pathogenic variant in RASGRP2 causing Platelet-Type Bleeding Disorder 18, allowing no conclusion about variant significance. To our knowledge, no occurrence of c.511T>C in individuals affected with Platelet-Type Bleeding Disorder 18 and no experimental evidence demonstrating its impact on protein function have been reported. No submitters have cited clinical-significance assessments for this variant to ClinVar. Based on the evidence outlined above, the variant was classified as uncertain significance.